The following is an entry in ClinVar:

ClinVar aggregate classification (germline): Likely benign. Review status: criteria provided, multiple submitters, no conflicts (2 of 4 stars). 3 submissions from 3 submitters: Likely benign (3). Last evaluated 2024-10-27.

Conditions:
Joubert syndrome. Also called: JOUBERT-BOLTSHAUSER SYNDROME; Familial aplasia of the vermis. Identifiers: Orphanet 475, MedGen C5979921, MONDO:0018772.

Allele frequency attached by ClinVar (database versions not stated): gnomAD 0.00003; gnomAD exomes 0.00003; TOPMed 0.00003.

Submissions (3):

Labcorp Genetics (formerly Invitae), Labcorp
Classification: Likely benign for Joubert syndrome. Last evaluated: 2024-10-27. Review status: criteria provided, single submitter. Criteria: Invitae Variant Classification Sherloc (09022015). Collection method: clinical testing. Allele origin: germline.

CeGaT Center for Human Genetics Tuebingen
Classification: Likely benign. Last evaluated: 2023-07-01. Review status: criteria provided, single submitter. Criteria: CeGaT Center For Human Genetics Tuebingen Variant Classification Criteria Version 2. Collection method: clinical testing. Allele origin: germline. Affected: yes. Observed: 1 variant allele.
Comment: AHI1: BP4, BP7

Blueprint Genetics
Classification: Likely benign. Last evaluated: 2018-08-03. Review status: criteria provided, single submitter. Criteria: ACMG Guidelines, 2015. Collection method: clinical testing. Allele origin: germline.

NM_001134831.2(AHI1):c.3012T>C (p.Thr1004=)

Gene: AHI1 (Abelson helper integration site 1; minus strand). Cytogenetic location: 6q23.3.
Variant type: single nucleotide variant.
Coding change: c.3012T>C on transcript NM_001134831.2 (MANE Select); coding-DNA position 3012, T replaced by C.
Protein change: p.Thr1004=; no amino-acid change (threonine 1004 retained).
Molecular consequence: synonymous variant.
Genome position (GRCh38, 1-based): chr6:135,394,873, A>G on the plus strand (T>C on the coding strand, the complement: AHI1 is on the minus strand). VCF-style: chr6-135394873-A-G. GRCh37 (hg19) VCF-style: chr6-135716011-A-G.
Other names: c.3012T>C, p.Thr1004= (NM_001134830.2, NM_001134832.2, NM_001350503.2 and 2 more transcripts).
Identifiers: ClinVar variation 1610265 (VCV001610265.34), dbSNP rs1327430611, ClinGen allele CA452341358.